The following is an entry in ClinVar:

ClinVar aggregate classification (germline): Benign (0 of 4 stars; one submission).

Conditions:
HIVEP3-related disorder. Also called: HIVEP3-related condition.

Allele frequency attached by ClinVar (database versions not stated): 1000 Genomes Project 30x 0.98766; 1000 Genomes Project 0.98802; ESP Exome Variant Server 0.98885; TOPMed 0.98915.
gnomAD v4.1: 1,610,809 of 1,613,760 alleles (100%); highest among the groups gnomAD compares: Non-Finnish European, 100%; 803,978 homozygotes.

Submission:

PreventionGenetics, part of Exact Sciences
Classification: Benign for HIVEP3-related condition. Last evaluated: 2020-02-19. Review status: no assertion criteria provided. Collection method: clinical testing. Allele origin: germline.
Comment: This variant is classified as benign based on ACMG/AMP sequence variant interpretation guidelines (Richards et al. 2015 PMID: 25741868, with internal and published modifications).

NM_024503.5(HIVEP3):c.1724A>G (p.His575Arg)

Gene: HIVEP3 (HIVEP zinc finger 3; minus strand). Cytogenetic location: 1p34.2.
Variant type: single nucleotide variant.
Coding change: c.1724A>G on transcript NM_024503.5 (MANE Select); coding-DNA position 1724, A replaced by G.
Protein change: p.His575Arg; replaces histidine 575 with arginine.
Molecular consequence: missense variant.
Genome position (GRCh38, 1-based): chr1:41,583,074, T>C on the plus strand (A>G on the coding strand, the complement: HIVEP3 is on the minus strand). VCF-style: chr1-41583074-T-C. GRCh37 (hg19) VCF-style: chr1-42048745-T-C.
Other names: c.1724A>G, p.His575Arg (NM_001127714.3); short protein forms H575R.
Identifiers: ClinVar variation 3060384 (VCV003060384.2), dbSNP rs2810566, ClinGen allele CA798166.
Genomic context (GRCh38, chr1:41,583,074, plus strand): 5'-AATTCGATTGCCGGCTGGCGCTTCAGCATCCGGGGGTGGGAGGTAAACACGTGACTGCTG[T>C]GGCTCAGGGCTTCGGAGTCGGTGATATGGTCATCGAAGGAGTAGCTACCTCGGAAGGGGT-3'
Protein context (NP_078779.2, residues 565-585): DHITDSEALS[His575Arg]SSHVFTSHPR